The following is an entry in ClinVar:

ClinVar aggregate classification (germline): Uncertain significance. Review status: criteria provided, multiple submitters, no conflicts (2 of 4 stars). 2 submissions from 2 submitters: Uncertain significance (2). Last evaluated 2018-03-05.

Conditions:
Autosomal recessive limb-girdle muscular dystrophy type 2J (LGMDR10). Also called: Limb-girdle muscular dystrophy, type 2J; MUSCULAR DYSTROPHY, LIMB-GIRDLE, AUTOSOMAL RECESSIVE 10. Identifiers: Orphanet 140922, MedGen C1837342, MONDO:0012127, OMIM 608807.

Allele frequency attached by ClinVar (database versions not stated): gnomAD exomes below 0.00001.
gnomAD v4.1: 1 of 1,613,950 alleles (0.000062%); highest among the groups gnomAD compares: Non-Finnish European, 0.000085%; no homozygotes.

Submissions (2):

Genomic Research Center, Shahid Beheshti University of Medical Sciences
Classification: Uncertain significance for Autosomal recessive limb-girdle muscular dystrophy type 2J. Last evaluated: 2018-03-05. Review status: criteria provided, single submitter. Criteria: ACMG Guidelines, 2015. Collection method: clinical testing. Allele origin: inherited. Affected: yes. Observed: 1 variant allele.

Kariminejad - Najmabadi Pathology & Genetics Center
Classification: Uncertain significance. Last evaluated: 2014-07-12. Review status: criteria provided, single submitter. Criteria: ACMG Guidelines, 2015. Collection method: clinical testing. Allele origin: germline. Inheritance: Autosomal recessive inheritance. Affected: yes.
Comment: PM2, BP1

NM_001267550.2(TTN):c.106925G>A (p.Gly35642Asp)

Genes: TTN-AS1 (TTN antisense RNA 1; plus strand), TTN (titin; minus strand). Cytogenetic location: 2q31.2.
Variant type: single nucleotide variant.
Coding change: c.106925G>A on transcript NM_001267550.2 (MANE Select); coding-DNA position 106925, G replaced by A.
Protein change: p.Gly35642Asp; replaces glycine 35642 with aspartic acid.
Molecular consequence: missense variant.
Genome position (GRCh38, 1-based): chr2:178,528,826, C>T on the plus strand (G>A on the coding strand, the complement: TTN is on the minus strand). VCF-style: chr2-178528826-C-T. GRCh37 (hg19) VCF-style: chr2-179393553-C-T.
Other names: c.102002G>A, p.Gly34001Asp (NM_001256850.1); c.79730G>A, p.Gly26577Asp (NM_003319.4); c.99221G>A, p.Gly33074Asp (NM_133378.4); c.80105G>A, p.Gly26702Asp (NM_133432.3); c.80306G>A, p.Gly26769Asp (NM_133437.4); short protein forms G35642D, G26577D, G33074D, G34001D, G26702D, G26769D.
Identifiers: ClinVar variation 548467 (VCV000548467.6), dbSNP rs1553480410, ClinGen allele CA349402603.
Genomic context (GRCh38, chr2:178,528,826, plus strand): 5'-AGGGTCTGATCGCTGCCTGAGACACCATATCGGTACTCCTCAGAGTTGGTAAGCTCTACG[C>T]CATTCAGTACCCATTTCACATCAGTGGCACCAGCAATGTTGGCTTTTAAAACCAGTCTTT-3'
Protein context (NP_001254479.2, residues 35632-35652): GATDVKWVLN[Gly35642Asp]VELTNSEEYR